The following is an entry in ClinVar:

ClinVar aggregate classification (germline): Pathogenic. Review status: criteria provided, multiple submitters, no conflicts (2 of 4 stars). 7 submissions from 7 submitters: Pathogenic (5). 2 of the submissions do not count toward it. Last evaluated 2026-04-25.

Conditions:
3-Oxo-5 alpha-steroid delta 4-dehydrogenase deficiency (PPSH). Also called: PSEUDOVAGINAL PERINEOSCROTAL HYPOSPADIAS; MALE PSEUDOHERMAPHRODITISM DUE TO 5-ALPHA-REDUCTASE DEFICIENCY; FAMILIAL INCOMPLETE MALE PSEUDOHERMAPHRODITISM, TYPE 2; 46,XY disorder of sex development due to 5-alpha-reductase 2 deficiency. Identifiers: Orphanet 753, MedGen C0268297, MONDO:0009923, OMIM 264600. Disease mechanism: loss of function.

Allele frequency attached by ClinVar (database versions not stated): TOPMed 0.00002; ExAC 0.00002; gnomAD 0.00003 and 0.00004; gnomAD exomes 0.00002.

Submissions (7):

Dasa
Classification: Pathogenic. Last evaluated: 2026-04-25. Review status: criteria provided, single submitter. Criteria: DASA Assertion Criteria. Collection method: clinical testing. Allele origin: germline.
Comment: NM_000348.4(SRD5A2):c.679C>T (p.Arg227*) introduces a premature termination codon predicted to result in loss of normal protein function. Loss-of-function is an established mechanism of disease for this gene. Segregation evidence has been reported in affected families. This variant has been observed in affected individuals with related phenotype in a genotype context consistent with recessive disease (PMID: 9066886; PMID: 36606580; PMID: 27070133; PMID: 30132287; PMID: 30269266). This variant has been recurrently observed in individuals with related phenotype (PMID: 9066886; PMID: 36606580; PMID: 27070133; PMID: 30132287; PMID: 30269266). The variant is present at low frequency in population datasets. Based on the available data, this variant is classified as pathogenic.

Labcorp Genetics (formerly Invitae), Labcorp
Classification: Pathogenic for 3-Oxo-5 alpha-steroid delta 4-dehydrogenase deficiency. Last evaluated: 2025-11-09. Review status: criteria provided, single submitter. Criteria: Invitae Variant Classification Sherloc (09022015). Collection method: clinical testing. Allele origin: germline.
Comment: This sequence change creates a premature translational stop signal (p.Arg227*) in the SRD5A2 gene. It is expected to result in an absent or disrupted protein product. Loss-of-function variants in SRD5A2 are known to be pathogenic (PMID: 1406794, 1944596). This variant is present in population databases (rs121434248, gnomAD 0.01%). This premature translational stop signal has been observed in individuals with 5α-reductase-2 deficiency (PMID: 1522235, 9066886, 21402750, 27070133). ClinVar contains an entry for this variant (Variation ID: 3342). Algorithms developed to predict the effect of sequence changes on RNA splicing suggest that this variant may disrupt the consensus splice site. For these reasons, this variant has been classified as Pathogenic.

Fulgent Genetics
Classification: Pathogenic for 3-Oxo-5 alpha-steroid delta 4-dehydrogenase deficiency. Last evaluated: 2024-05-06. Review status: criteria provided, single submitter. Criteria: ACMG Guidelines, 2015. Collection method: clinical testing. Allele origin: germline.

Laboratorio de Genetica e Diagnostico Molecular, Hospital Israelita Albert Einstein
Classification: Pathogenic for 3-Oxo-5 alpha-steroid delta 4-dehydrogenase deficiency. Last evaluated: 2023-07-07. Review status: criteria provided, single submitter. Criteria: ACMG Guidelines, 2015. Collection method: clinical testing. Allele origin: germline. Affected: yes.
Comment: ACMG classification criteria: PVS1 strong, PM2 supporting, PM3 strong, PP1 supporting

Juno Genomics, Hangzhou Juno Genomics, Inc
Classification: Pathogenic for 3-Oxo-5 alpha-steroid delta 4-dehydrogenase deficiency. Review status: criteria provided, single submitter. Criteria: ACMG Guidelines, 2015. Collection method: clinical testing. Allele origin: germline. Affected: yes.
Comment: Null variant in a gene where loss of function (LOF) is a known mechanism of disease.;Absent from controls (or at extremely low frequency if recessive) in Genome Aggregation Database, Exome Sequencing Project, 1000 Genomes Project, or Exome Aggregation Consortium.;For recessive disorders, detected in trans with a pathogenic variant.;Co-segregation with disease in multiple affected family members in a gene definitively known to cause the disease.;Patient's phenotype or family history is highly specific for a disease with a single genetic etiology.

Clinical Molecular Genetics Laboratory, Johns Hopkins All Children's Hospital
Classification: Pathogenic for 3-Oxo-5 alpha-steroid delta 4-dehydrogenase deficiency. Last evaluated: 2009-10-05. Review status: no assertion criteria provided. Collection method: clinical testing. Allele origin: germline. Affected: yes. Not counted in ClinVar's aggregate classification.

OMIM
Classification: Pathogenic for PSEUDOVAGINAL PERINEOSCROTAL HYPOSPADIAS. Last evaluated: 1997-03-03. Review status: no assertion criteria provided. Collection method: literature only. Allele origin: germline. Not counted in ClinVar's aggregate classification.

Literature cited by the submitters: PubMed 9066886 (cited by 3 submitters); PubMed 36606580 (cited by Dasa); PubMed 27070133 (cited by Dasa and Labcorp Genetics (formerly Invitae), Labcorp); PubMed 30132287 (cited by Dasa); PubMed 30269266 (cited by Dasa); PubMed 21402750 (cited by Dasa and Labcorp Genetics (formerly Invitae), Labcorp); PubMed 1406794 (cited by Labcorp Genetics (formerly Invitae), Labcorp); PubMed 1944596 (cited by Labcorp Genetics (formerly Invitae), Labcorp); PubMed 1522235 (cited by Labcorp Genetics (formerly Invitae), Labcorp).

NM_000348.4(SRD5A2):c.679C>T (p.Arg227Ter)

Gene: SRD5A2 (steroid 5 alpha-reductase 2; minus strand). Cytogenetic location: 2p23.1.
Variant type: single nucleotide variant.
Coding change: c.679C>T on transcript NM_000348.4 (MANE Select); coding-DNA position 679, C replaced by T.
Protein change: p.Arg227Ter; replaces arginine 227 with a stop codon.
Molecular consequence: nonsense.
Genome position (GRCh38, 1-based): chr2:31,529,326, G>A on the plus strand (C>T on the coding strand, the complement: SRD5A2 is on the minus strand). VCF-style: chr2-31529326-G-A. GRCh37 (hg19) VCF-style: chr2-31754396-G-A.
Other names: short protein forms R227*.
Identifiers: ClinVar variation 3342 (VCV000003342.15), dbSNP rs121434248, ClinGen allele CA340074.
Genomic context (GRCh38, chr2:31,529,326, plus strand): 5'-GAAAGCTACGTGAATGCTGCCGCTTTTATTGAAAAATTTACCTATGGTGGTGAAAAGCTC[G>A]CAGCCCAAGGAAACAAAGTGAGAAAAATGCAAATGCAAGTGCTGGGAGGGACCAAGTGGC-3'